The following is an entry in ClinVar:

ClinVar aggregate classification (germline): Uncertain significance (1 of 4 stars; one submission).

Allele frequency attached by ClinVar (database versions not stated): gnomAD 0.00001; gnomAD exomes 0.00001 and 0.00004; TOPMed 0.00001; ExAC 0.00003.
gnomAD v4.1: 11 of 1,612,880 alleles (0.00068%); highest among the groups gnomAD compares: Admixed American, 0.017%; no homozygotes.

Submission:

Labcorp Genetics (formerly Invitae), Labcorp
Classification: Uncertain significance. Last evaluated: 2026-01-02. Review status: criteria provided, single submitter. Criteria: Invitae Variant Classification Sherloc (09022015). Collection method: clinical testing. Allele origin: germline.
Comment: This sequence change replaces alanine, which is neutral and non-polar, with valine, which is neutral and non-polar, at codon 136 of the IRF4 protein (p.Ala136Val). This variant is present in population databases (rs758443557, gnomAD 0.03%). This variant has not been reported in the literature in individuals affected with IRF4-related conditions. ClinVar contains an entry for this variant (Variation ID: 1497416). An algorithm developed to predict the effect of missense changes on protein structure and function (PolyPhen-2) suggests that this variant is likely to be tolerated. In summary, the available evidence is currently insufficient to determine the role of this variant in disease. Therefore, it has been classified as a Variant of Uncertain Significance.

NM_002460.4(IRF4):c.407C>T (p.Ala136Val)

Gene: IRF4 (interferon regulatory factor 4; plus strand). Cytogenetic location: 6p25.3.
Variant type: single nucleotide variant.
Coding change: c.407C>T on transcript NM_002460.4 (MANE Select); coding-DNA position 407, C replaced by T.
Protein change: p.Ala136Val; replaces alanine 136 with valine.
Molecular consequence: missense variant. On other transcripts: non-coding transcript variant (1).
Genome position (GRCh38, 1-based): chr6:395,850, C>T. VCF-style: chr6-395850-C-T. GRCh37 (hg19) VCF-style: chr6-395850-C-T.
Other names: c.407C>T, p.Ala136Val (NM_001195286.2); short protein forms A136V.
Identifiers: ClinVar variation 1497416 (VCV001497416.8), dbSNP rs758443557, ClinGen allele CA3612686.